The following is an entry in ClinVar:

NM_182961.4(SYNE1):c.2731A>G (p.Met911Val)

Gene: SYNE1 (spectrin repeat containing nuclear envelope protein 1; minus strand). Cytogenetic location: 6q25.2.
Variant type: single nucleotide variant.
Coding change: c.2731A>G on transcript NM_182961.4 (MANE Select); coding-DNA position 2731, A replaced by G.
Protein change: p.Met911Val; replaces methionine 911 with valine.
Molecular consequence: missense variant.
Genome position (GRCh38, 1-based): chr6:152,455,587, T>C on the plus strand (A>G on the coding strand, the complement: SYNE1 is on the minus strand). VCF-style: chr6-152455587-T-C. GRCh37 (hg19) VCF-style: chr6-152776722-T-C.
Other names: c.2752A>G, p.Met918Val (NM_033071.5); short protein forms M911V, M918V.
Identifiers: ClinVar variation 916489 (VCV000916489.44), dbSNP rs1310685451, ClinGen allele CA366110935.

ClinVar aggregate classification (germline): Uncertain significance. Review status: criteria provided, multiple submitters, no conflicts (2 of 4 stars). 2 submissions from 2 submitters: Uncertain significance (2). Last evaluated 2022-08-22.

Conditions:
Emery-Dreifuss muscular dystrophy 4, autosomal dominant (EDMD4). Also called: EMERY-DREIFUSS MUSCULAR DYSTROPHY 4 WITH VARIABLE FEATURES. Identifiers: Orphanet 261, MedGen C2751807, MONDO:0013071, OMIM 612998.
Autosomal recessive ataxia, Beauce type. Also called: Spinocerebellar ataxia, autosomal recessive 8; SYNE1-Related Autosomal Recessive Cerebellar Ataxia; ATAXIA, RECESSIVE, OF BEAUCE; SYNE1 Deficiency. Identifiers: Orphanet 88644, MedGen C1853116, MONDO:0012549, OMIM 610743.

Allele frequency attached by ClinVar (database versions not stated): gnomAD exomes 0.00001; TOPMed 0.00001; gnomAD 0.00002.
gnomAD v4.1: 12 of 1,614,070 alleles (0.00074%); highest among the groups gnomAD compares: African/African-American, 0.012%; no homozygotes.

Submissions (2):

Labcorp Genetics (formerly Invitae), Labcorp
Classification: Uncertain significance for Emery-Dreifuss muscular dystrophy 4, autosomal dominant; Autosomal recessive ataxia, Beauce type. Last evaluated: 2022-08-22. Review status: criteria provided, single submitter. Criteria: Invitae Variant Classification Sherloc (09022015). Collection method: clinical testing. Allele origin: germline.
Comment: This variant has not been reported in the literature in individuals affected with SYNE1-related conditions. In summary, the available evidence is currently insufficient to determine the role of this variant in disease. Therefore, it has been classified as a Variant of Uncertain Significance. Algorithms developed to predict the effect of missense changes on protein structure and function are either unavailable or do not agree on the potential impact of this missense change (SIFT: "Deleterious"; PolyPhen-2: "Benign"; Align-GVGD: "Class C0"). ClinVar contains an entry for this variant (Variation ID: 916489). This variant is present in population databases (no rsID available, gnomAD 0.008%). This sequence change replaces methionine, which is neutral and non-polar, with valine, which is neutral and non-polar, at codon 918 of the SYNE1 protein (p.Met918Val).

CeGaT Center for Human Genetics Tuebingen
Classification: Uncertain significance. Last evaluated: 2020-03-01. Review status: criteria provided, single submitter. Criteria: CeGaT Center For Human Genetics Tuebingen Variant Classification Criteria Version 2. Collection method: clinical testing. Allele origin: germline. Affected: yes. Observed: 1 variant allele.